The following is an entry in ClinVar:

NM_000065.5(C6):c.928-1G>C

Gene: C6 (complement C6; minus strand). Cytogenetic location: 5p13.1.
Variant type: single nucleotide variant.
Coding change: c.928-1G>C on transcript NM_000065.5 (MANE Select); the canonical splice acceptor site of the intron before coding-DNA position 928, G replaced by C.
Molecular consequence: splice acceptor variant.
Genome position (GRCh38, 1-based): chr5:41,176,716, C>G on the plus strand (G>C on the coding strand, the complement: C6 is on the minus strand). VCF-style: chr5-41176716-C-G. GRCh37 (hg19) VCF-style: chr5-41176818-C-G.
Other names: c.928-1G>C (NM_001115131.4).
Identifiers: ClinVar variation 1675134 (VCV001675134.1), dbSNP rs1432520854, ClinGen allele CA359601072.

ClinVar aggregate classification (germline): Likely pathogenic (1 of 4 stars; one submission).

Conditions:
Complement component 6 deficiency (C6D). Also called: C6 DEFICIENCY. Identifiers: MedGen C2676232, MONDO:0012908, OMIM 612446.

Allele frequency attached by ClinVar (database versions not stated): TOPMed below 0.00001; gnomAD 0.00001.
gnomAD v4.1: 1 of 1,609,178 alleles (0.000062%); highest among the groups gnomAD compares: Non-Finnish European, 0.000085%; no homozygotes.

Submission:

Center for Genomics, Ann and Robert H. Lurie Children's Hospital of Chicago
Classification: Likely pathogenic for Complement component 6 deficiency. Last evaluated: 2021-05-10. Review status: criteria provided, single submitter. Criteria: ACMG Guidelines, 2015. Collection method: clinical testing. Allele origin: germline.
Comment: C6 NM_000065.3 intron 7 c.928-1G>C: This variant has not been reported in the literature but is present in 0.001% (1/67986) of European alleles in the Genome Aggregation Database. Evolutionary conservation and computational predictive tools for this variant are limited or unavailable. Of note, this variant alters the consensus splice sequence (+/- 1,2) which is predicted to result in an absent or abnormal protein. Loss of function variants have been reported in association with disease for this gene (El Sissy 2019 PMID:31440263). In summary, data on this variant is highly suspicious for disease, but requires further evidence for pathogenicity. Therefore, this variant is classified as likely pathogenic.